The following is an entry in ClinVar:

NM_004456.5(EZH2):c.247-80G>A

Gene: EZH2 (enhancer of zeste 2 polycomb repressive complex 2 subunit; minus strand). Cytogenetic location: 7q36.1.
Variant type: single nucleotide variant.
Coding change: c.247-80G>A on transcript NM_004456.5 (MANE Select); 80 bases into the intron before coding-DNA position 247, G replaced by A.
Molecular consequence: intron variant.
Genome position (GRCh38, 1-based): chr7:148,832,830, C>T on the plus strand (G>A on the coding strand, the complement: EZH2 is on the minus strand). VCF-style: chr7-148832830-C-T. GRCh37 (hg19) VCF-style: chr7-148529922-C-T.
Other names: c.220-80G>A (NM_001203248.2, NM_001203249.2); c.247-2982G>A (NM_152998.3); c.247-80G>A (NM_001203247.2).
Identifiers: ClinVar variation 673904 (VCV000673904.2), dbSNP rs17552167, ClinGen allele CA16318919.

ClinVar aggregate classification (germline): Benign. Review status: criteria provided, multiple submitters, no conflicts (2 of 4 stars). 2 submissions from 2 submitters: Benign (2). Last evaluated 2018-06-16.

Allele frequency attached by ClinVar (database versions not stated): 1000 Genomes Project 30x 0.03482; 1000 Genomes Project 0.03574; gnomAD 0.05320 and 0.05397; TOPMed 0.05439; gnomAD exomes 0.06435.
gnomAD v4.1: 48,592 of 778,138 alleles (6.2%); highest among the groups gnomAD compares: Middle Eastern, 9.8%; 1,878 homozygotes.

Submissions (2):

GeneDx
Classification: Benign. Last evaluated: 2018-06-16. Review status: criteria provided, single submitter. Criteria: GeneDx Variant Classification (06012015). Collection method: clinical testing. Allele origin: germline. Affected: yes.
Comment: This variant is considered likely benign or benign based on one or more of the following criteria: it is a conservative change, it occurs at a poorly conserved position in the protein, it is predicted to be benign by multiple in silico algorithms, and/or has population frequency not consistent with disease.

Breakthrough Genomics
Classification: Benign. Review status: criteria provided, single submitter. Criteria: ACMG Guidelines, 2015. Collection method: not provided. Allele origin: germline. Inheritance: Autosomal dominant inheritance. Affected: yes.